The following is an entry in ClinVar:

ClinVar aggregate classification (germline): Uncertain significance (1 of 4 stars; one submission).

Conditions:
Primary ciliary dyskinesia. Also called: Ciliary dyskinesia. Identifiers: Orphanet 244, MedGen C0008780, MONDO:0016575, HP:0012265.

Allele frequency attached by ClinVar (database versions not stated): gnomAD exomes below 0.00001; gnomAD 0.00001; TOPMed 0.00002.
gnomAD v4.1: 5 of 1,614,014 alleles (0.00031%); highest among the groups gnomAD compares: East Asian, 0.0089%; no homozygotes.

Submission:

Ambry Genetics
Classification: Uncertain significance for Primary ciliary dyskinesia. Last evaluated: 2024-08-12. Review status: criteria provided, single submitter. Criteria: Ambry Variant Classification Scheme 2023. Collection method: clinical testing. Allele origin: germline.
Comment: The p.L4614F variant (also known as c.13840C>T), located in coding exon 79 of the DNAH5 gene, results from a C to T substitution at nucleotide position 13840. The leucine at codon 4614 is replaced by phenylalanine, an amino acid with highly similar properties. This amino acid position is conserved. In addition, this alteration is predicted to be tolerated by in silico analysis. Based on the available evidence, the clinical significance of this variant remains unclear.

NM_001369.3(DNAH5):c.13840C>T (p.Leu4614Phe)

Gene: DNAH5 (dynein axonemal heavy chain 5; minus strand). Cytogenetic location: 5p15.2.
Variant type: single nucleotide variant.
Coding change: c.13840C>T on transcript NM_001369.3 (MANE Select); coding-DNA position 13840, C replaced by T.
Protein change: p.Leu4614Phe; replaces leucine 4614 with phenylalanine.
Molecular consequence: missense variant.
Genome position (GRCh38, 1-based): chr5:13,692,019, G>A on the plus strand (C>T on the coding strand, the complement: DNAH5 is on the minus strand). VCF-style: chr5-13692019-G-A. GRCh37 (hg19) VCF-style: chr5-13692128-G-A.
Other names: short protein forms L4614F.
Identifiers: ClinVar variation 3083984 (VCV003083984.2), dbSNP rs1279008897, ClinGen allele CA359188547.